The following is an entry in ClinVar:

ClinVar aggregate classification (germline): Uncertain significance (1 of 4 stars; one submission).

Conditions:
Leber congenital amaurosis 8 (LCA8). Identifiers: Orphanet 65, MedGen C3151202, MONDO:0013453, OMIM 613835.
Retinitis pigmentosa 12 (RP12). Also called: RP WITH OR WITHOUT PPRPE; RP WITH OR WITHOUT PRESERVED PARAARTERIOLE RETINAL PIGMENT EPITHELIUM; RETINITIS PIGMENTOSA WITH OR WITHOUT PARAARTERIOLAR PRESERVATION OF RETINAL PIGMENT EPITHELIUM. Identifiers: Orphanet 791, MedGen C1838647, MONDO:0010818, OMIM 600105.

gnomAD v4.1: 2 of 1,613,472 alleles (0.00012%); highest among the groups gnomAD compares: South Asian, 0.0011%; no homozygotes.

Submission:

Labcorp Genetics (formerly Invitae), Labcorp
Classification: Uncertain significance for Leber congenital amaurosis 8; Retinitis pigmentosa 12. Last evaluated: 2019-09-26. Review status: criteria provided, single submitter. Criteria: Invitae Variant Classification Sherloc (09022015). Collection method: clinical testing. Allele origin: germline.
Comment: In summary, the available evidence is currently insufficient to determine the role of this variant in disease. Therefore, it has been classified as a Variant of Uncertain Significance. Algorithms developed to predict the effect of missense changes on protein structure and function (SIFT, PolyPhen-2, Align-GVGD) all suggest that this variant is likely to be disruptive, but these predictions have not been confirmed by published functional studies and their clinical significance is uncertain. This variant has not been reported in the literature in individuals with CRB1-related conditions. This variant is not present in population databases (ExAC no frequency). This sequence change replaces aspartic acid with tyrosine at codon 168 of the CRB1 protein (p.Asp168Tyr). The aspartic acid residue is weakly conserved and there is a large physicochemical difference between aspartic acid and tyrosine.

NM_201253.3(CRB1):c.502G>T (p.Asp168Tyr)

Gene: CRB1 (crumbs cell polarity complex component 1; plus strand). Cytogenetic location: 1q31.3.
Variant type: single nucleotide variant.
Coding change: c.502G>T on transcript NM_201253.3 (MANE Select); coding-DNA position 502, G replaced by T.
Protein change: p.Asp168Tyr; replaces aspartic acid 168 with tyrosine.
Molecular consequence: missense variant. On other transcripts: non-coding transcript variant (2).
Genome position (GRCh38, 1-based): chr1:197,328,853, G>T. VCF-style: chr1-197328853-G-T. GRCh37 (hg19) VCF-style: chr1-197297983-G-T.
Other names: c.502G>T, p.Asp168Tyr (NM_001193640.2, NM_001257966.2); c.295G>T, p.Asp99Tyr (NM_001257965.2); short protein forms D168Y, D99Y.
Identifiers: ClinVar variation 938164 (VCV000938164.9), dbSNP rs773457531, ClinGen allele CA344085915.